The following is an entry in ClinVar:

ClinVar aggregate classification (germline): Uncertain significance. Review status: criteria provided, multiple submitters, no conflicts (2 of 4 stars). 3 submissions from 3 submitters: Uncertain significance (3). Last evaluated 2026-06-30.

Conditions:
MSH6-related disorder. Also called: MSH6-related condition; MSH6-Related disorders.
Hereditary cancer-predisposing syndrome. Also called: Neoplastic Syndromes, Hereditary; Hereditary Cancer Syndrome; Tumor predisposition; Hereditary neoplastic syndrome. Identifiers: Orphanet 140162, MedGen C0027672, MeSH D009386, MONDO:0015356.
Endometrial carcinoma. Also called: Endometrial carcinoma, somatic. Identifiers: MedGen C0476089, MONDO:0002447, OMIM 608089, HP:0012114.

Allele frequency attached by ClinVar (database versions not stated): TOPMed below 0.00001; gnomAD 0.00001.
gnomAD v4.1: 15 of 1,613,996 alleles (0.00093%); highest among the groups gnomAD compares: African/African-American, 0.004%; no homozygotes.

Submissions (3):

PreventionGenetics, part of Exact Sciences
Classification: Uncertain significance for MSH6-related condition. Last evaluated: 2026-06-30. Review status: criteria provided, single submitter. Criteria: ACMG Guidelines, 2015. Collection method: clinical testing. Allele origin: germline.
Comment: The MSH6 c.3763G>T variant is predicted to result in the amino acid substitution p.Asp1255Tyr. To our knowledge, this variant has not been reported in the literature. This variant is reported in 0.00088% of alleles in individuals of European (Non-Finnish) descent in gnomAD and is interpreted as uncertain in ClinVar (Variation ID: 483788). At this time, the clinical significance of this variant is uncertain due to the absence of conclusive functional and genetic evidence.

Ambry Genetics
Classification: Uncertain significance for Hereditary cancer-predisposing syndrome. Last evaluated: 2024-02-28. Review status: criteria provided, single submitter. Criteria: Ambry Variant Classification Scheme 2023. Collection method: clinical testing. Allele origin: germline.
Comment: The p.D1255Y variant (also known as c.3763G>T), located in coding exon 8 of the MSH6 gene, results from a G to T substitution at nucleotide position 3763. The aspartic acid at codon 1255 is replaced by tyrosine, an amino acid with highly dissimilar properties. This amino acid position is well conserved in available vertebrate species. In addition, this alteration is predicted to be deleterious by in silico analysis. Since supporting evidence is limited at this time, the clinical significance of this alteration remains unclear.

Baylor Genetics
Classification: Uncertain significance for Endometrial carcinoma. Last evaluated: 2024-02-07. Review status: criteria provided, single submitter. Criteria: ACMG Guidelines, 2015. Collection method: clinical testing. Allele origin: unknown.

NM_000179.3(MSH6):c.3763G>T (p.Asp1255Tyr)

Gene: MSH6 (mutS homolog 6; plus strand). Cytogenetic location: 2p16.3.
Variant type: single nucleotide variant.
Coding change: c.3763G>T on transcript NM_000179.3 (MANE Select); coding-DNA position 3763, G replaced by T.
Protein change: p.Asp1255Tyr; replaces aspartic acid 1255 with tyrosine.
Molecular consequence: missense variant.
Genome position (GRCh38, 1-based): chr2:47,806,320, G>T. VCF-style: chr2-47806320-G-T. GRCh37 (hg19) VCF-style: chr2-48033459-G-T.
Other names: c.3373G>T, p.Asp1125Tyr (NM_001281492.2); c.2857G>T, p.Asp953Tyr (NM_001281493.2, NM_001281494.2); short protein forms D1255Y, D1125Y, D953Y.
Identifiers: ClinVar variation 483788 (VCV000483788.7), dbSNP rs1336339961, ClinGen allele CA346761107.